The following is an entry in ClinVar:

NM_001453.3(FOXC1):c.526_527insTC (p.Lys176fs)

Gene: FOXC1 (forkhead box C1; plus strand). Cytogenetic location: 6p25.3.
Variant type: Insertion.
Coding change: c.526_527insTC on transcript NM_001453.3 (MANE Select); coding-DNA positions 526 to 527, TC inserted.
Protein change: p.Lys176fs; shifts the reading frame from lysine 176.
Molecular consequence: frameshift variant.
Genome position: GRCh38 VCF-style: chr6-1610971-A-ATC. GRCh37 (hg19) VCF-style: chr6-1611206-A-ATC.
Other names: short protein forms K176fs.
Identifiers: ClinVar variation 4729524 (VCV004729524.1).

ClinVar aggregate classification (germline): Pathogenic (1 of 4 stars; one submission).

Conditions:
Axenfeld-Rieger syndrome type 3 (RIEG3). Also called: AXENFELD-RIEGER ANOMALY WITH CARDIAC DEFECTS AND/OR SENSORINEURAL HEARING LOSS. Identifiers: Orphanet 782, MedGen C2678503, MONDO:0011233, OMIM 602482.

Submission:

Labcorp Genetics (formerly Invitae), Labcorp
Classification: Pathogenic for Axenfeld-Rieger syndrome type 3. Last evaluated: 2025-10-19. Review status: criteria provided, single submitter. Criteria: Invitae Variant Classification Sherloc (09022015). Collection method: clinical testing. Allele origin: germline.
Comment: This sequence change creates a premature translational stop signal (p.Lys176Ilefs*6) in the FOXC1 gene. While this is not anticipated to result in nonsense mediated decay, it is expected to disrupt the last 378 amino acid(s) of the FOXC1 protein. This variant is not present in population databases (gnomAD no frequency). This variant has not been reported in the literature in individuals affected with FOXC1-related conditions. This variant disrupts a region of the FOXC1 protein in which other variant(s) (p.Tyr497*) have been determined to be pathogenic (PMID: 28513611; internal data). This suggests that this is a clinically significant region of the protein, and that variants that disrupt it are likely to be disease-causing. For these reasons, this variant has been classified as Pathogenic.

Literature cited by the submitters: PubMed 28513611.